The following is an entry in ClinVar:

NM_006087.4(TUBB4A):c.854C>A (p.Thr285Lys)

Gene: TUBB4A (tubulin beta 4A class IVa; minus strand). Cytogenetic location: 19p13.3.
Variant type: single nucleotide variant.
Coding change: c.854C>A on transcript NM_006087.4 (MANE Select); coding-DNA position 854, C replaced by A.
Protein change: p.Thr285Lys; replaces threonine 285 with lysine.
Molecular consequence: missense variant.
Genome position (GRCh38, 1-based): chr19:6,495,645, G>T on the plus strand (C>A on the coding strand, the complement: TUBB4A is on the minus strand). VCF-style: chr19-6495645-G-T. GRCh37 (hg19) VCF-style: chr19-6495656-G-T.
Other names: c.1007C>A, p.Thr336Lys (NM_001289123.2); c.989C>A, p.Thr330Lys (NM_001289127.2); c.854C>A, p.Thr285Lys (NM_001289129.2); c.638C>A, p.Thr213Lys (NM_001289130.2, NM_001289131.2); short protein forms T285K, T336K, T330K, T213K.
Identifiers: ClinVar variation 1033070 (VCV001033070.2), dbSNP rs552079378, ClinGen allele CA403590793.

ClinVar aggregate classification (germline): Likely pathogenic. Review status: criteria provided, multiple submitters, no conflicts (2 of 4 stars). 2 submissions from 2 submitters: Likely pathogenic (2). Last evaluated 2025-03-31.

Conditions:
Torsion dystonia 4. Also called: DYT-TUBB4A (Autosomal Dominant Torsion Dystonia); DYSTONIA MUSCULORUM DEFORMANS 4. Identifiers: Orphanet 98805, MedGen C1851943, MONDO:0007493, OMIM 128101.

Submissions (2):

Clinical Genetics Laboratory, University Hospital Schleswig-Holstein
Classification: Likely pathogenic for Torsion dystonia 4. Last evaluated: 2025-03-31. Review status: criteria provided, single submitter. Criteria: ACMG Guidelines, 2015. Collection method: clinical testing. Allele origin: germline. Affected: yes. Observed: 1 heterozygote.
Comment: ACMG criteria applied: PS4_Supporting, PM2, PP2, PP3, PP4

Baylor Genetics
Classification: Likely pathogenic for Torsion dystonia 4. Last evaluated: 2018-01-25. Review status: criteria provided, single submitter. Criteria: ACMG Guidelines, 2015. Collection method: clinical testing. Allele origin: unknown. Affected: yes.
Comment: This variant was determined to be likely pathogenic according to ACMG Guidelines, 2015 [PMID:25741868].